The following is an entry in ClinVar:

NM_020320.5(RARS2):c.613-3927C>T

Gene: RARS2 (arginyl-tRNA synthetase 2, mitochondrial; minus strand). Cytogenetic location: 6q15.
Variant type: single nucleotide variant.
Coding change: c.613-3927C>T on transcript NM_020320.5 (MANE Select); 3927 bases into the intron before coding-DNA position 613, C replaced by T.
Molecular consequence: intron variant.
Genome position (GRCh38, 1-based): chr6:87,534,869, G>A on the plus strand (C>T on the coding strand, the complement: RARS2 is on the minus strand). VCF-style: chr6-87534869-G-A. GRCh37 (hg19) VCF-style: chr6-88244587-G-A.
Other names: c.613-3927C>T (NM_001350505.2, NM_020320.4); c.88-3927C>T (NM_001350509.2, NM_001318785.2, NM_001350506.2 and 4 more transcripts).
Identifiers: ClinVar variation 1066551 (VCV001066551.10), dbSNP rs1410239766, ClinGen allele CA829283613.

ClinVar aggregate classification (germline): Pathogenic/Likely pathogenic. Review status: criteria provided, multiple submitters, no conflicts (2 of 4 stars). 4 submissions from 4 submitters: Pathogenic (1); Likely pathogenic (3). Last evaluated 2024-07-18.

Conditions:
Pontoneocerebellar hypoplasia. Also called: Pontocerebellar hypoplasia; Non-syndromic pontocerebellar hypoplasia. Identifiers: Orphanet 98523, MedGen C1261175, MONDO:0020135.
Pontocerebellar hypoplasia type 6 (PCH6). Identifiers: Orphanet 166073, MedGen C1969084, MONDO:0012683, OMIM 611523.

Allele frequency attached by ClinVar (database versions not stated): TOPMed 0.00002.

Submissions (4):

Women's Health and Genetics/Laboratory Corporation of America, LabCorp
Classification: Likely pathogenic for Pontoneocerebellar hypoplasia. Last evaluated: 2024-07-18. Review status: criteria provided, single submitter. Criteria: LabCorp Variant Classification Summary - May 2015. Collection method: clinical testing. Allele origin: germline.
Comment: Variant summary: RARS2 c.613-3927C>T is located at a position not widely known to affect splicing. Consensus agreement among computation tools predict no significant impact on normal splicing. However, at least one publication reports experimental evidence that this variant leads to skipping of exons 6-8 (Lax_2015). The variant was absent in 31400 control chromosomes. c.613-3927C>T has been reported in the literature in compound heterozygous individuals affected with Pontocerebellar Hypoplasia, Type 6 (Lax_2015). These data indicate that the variant may be associated with disease. The following publication has been ascertained in the context of this evaluation (PMID: 26083569). ClinVar contains an entry for this variant (Variation ID: 1066551). Based on the evidence outlined above, the variant was classified as likely pathogenic.

Natera, Inc.
Classification: Likely pathogenic for Pontocerebellar hypoplasia, type 6. Last evaluated: 2024-02-25. Review status: criteria provided, single submitter. Criteria: Natera Variant Classification Schema (03/2026). Collection method: clinical testing. Allele origin: germline.
Comment: The c.613-3927C>T variant in RARS2 is an intronic variant located outside the canonical splice sites. This variant is rare in the general population with a frequency below the threshold expected for the associated phenotype(s). This variant has been observed in one or more individuals affected with the associated recessive disease, as either homozygous or compound heterozygous with a second variant (PMID: 26083569). This variant has been observed to segregate in affected family members (PMID: 26083569). Functional studies show that this variant may disrupt protein function (PMID: 26083569). Multiple computational prediction algorithms suggest this variant is unlikely to affect gene or protein function. Given the available evidence, this variant is classified as Likely Pathogenic.

Baylor Genetics
Classification: Likely pathogenic for Pontocerebellar hypoplasia type 6. Last evaluated: 2023-07-27. Review status: criteria provided, single submitter. Criteria: ACMG Guidelines, 2015. Collection method: clinical testing. Allele origin: unknown.

Labcorp Genetics (formerly Invitae), Labcorp
Classification: Pathogenic. Last evaluated: 2022-10-30. Review status: criteria provided, single submitter. Criteria: Invitae Variant Classification Sherloc (09022015). Collection method: clinical testing. Allele origin: germline.
Comment: This sequence change falls in intron 8 of the RARS2 gene. It does not directly change the encoded amino acid sequence of the RARS2 protein. RNA analysis indicates that this variant induces altered splicing and may result in an absent or disrupted protein product. For these reasons, this variant has been classified as Pathogenic. Studies have shown that this variant results in skipping of exons 6-8 and introduces a premature termination codon (PMID: 26083569). The resulting mRNA is expected to undergo nonsense-mediated decay. ClinVar contains an entry for this variant (Variation ID: 1066551). This variant has been observed in individual(s) with pontocerebellar hypoplasia (PMID: 26083569). In at least one individual the data is consistent with being in trans (on the opposite chromosome) from a pathogenic variant. It has also been observed to segregate with disease in related individuals. This variant is not present in population databases (gnomAD no frequency).

Literature cited by the submitters: PubMed 26083569 (cited by 3 submitters).